The following is an entry in ClinVar:

NM_017780.4(CHD7):c.1361A>G (p.Asn454Ser)

Gene: CHD7 (chromodomain helicase DNA binding protein 7; plus strand). Cytogenetic location: 8q12.2.
Variant type: single nucleotide variant.
Coding change: c.1361A>G on transcript NM_017780.4 (MANE Select); coding-DNA position 1361, A replaced by G.
Protein change: p.Asn454Ser; replaces asparagine 454 with serine.
Molecular consequence: missense variant.
Genome position (GRCh38, 1-based): chr8:60,742,793, A>G. VCF-style: chr8-60742793-A-G. GRCh37 (hg19) VCF-style: chr8-61655352-A-G.
Other names: c.1361A>G (NM_017780.2); c.1361A>G, p.Asn454Ser (NM_001316690.1); short protein forms N454S.
Identifiers: ClinVar variation 1349735 (VCV001349735.10), dbSNP rs766249962, ClinGen allele CA4759476.
Genomic context (GRCh38, chr8:60,742,793, plus strand): 5'-AGCCATCTCACCAGCCCCCTGGTGCCATGGGAATCGGACAGAGGAATATGGGCCCCAGAA[A>G]CATGCAGCAGTCTCGTCCATTTATAGGCATGTCCTCGGCACCAAGGGAATTGACTGGGCA-3'
Protein context (NP_060250.2, residues 444-464): GIGQRNMGPR[Asn454Ser]MQQSRPFIGM

ClinVar aggregate classification (germline): Conflicting classifications of pathogenicity. Review status: criteria provided, conflicting classifications (1 of 4 stars). 2 submissions from 2 submitters: Uncertain significance (1); Likely benign (1). Last evaluated 2026-01-06.

Conditions:
CHARGE syndrome (CHARGE). Also called: Hittner Hirsch Kreh syndrome; CHARGE ASSOCIATION--COLOBOMA, HEART ANOMALY, CHOANAL ATRESIA, RETARDATION, GENITAL AND EAR ANOMALIES; Coloboma, heart anomaly, choanal atresia, retardation, genital and ear anomalies; CHARGE association; Hall-Hittner syndrome. Identifiers: Orphanet 138, MedGen C0265354, MONDO:0008965.

Allele frequency attached by ClinVar (database versions not stated): TOPMed below 0.00001; gnomAD exomes 0.00001 and 0.00002; ExAC 0.00002.
gnomAD v4.1: 23 of 1,614,020 alleles (0.0014%); highest among the groups gnomAD compares: Non-Finnish European, 0.0017%; no homozygotes.

Submissions (2):

Labcorp Genetics (formerly Invitae), Labcorp
Classification: Likely benign for CHARGE syndrome. Last evaluated: 2026-01-06. Review status: criteria provided, single submitter. Criteria: Invitae Variant Classification Sherloc (09022015). Collection method: clinical testing. Allele origin: germline.

GeneDx
Classification: Uncertain significance. Last evaluated: 2025-07-27. Review status: criteria provided, single submitter. Criteria: GeneDx Variant Classification Process June 2021. Collection method: clinical testing. Allele origin: germline.
Comment: Not observed at significant frequency in large population cohorts (gnomAD); In silico analysis suggests that this missense variant does not alter protein structure/function; Has not been previously published as pathogenic or benign to our knowledge